The following is an entry in ClinVar:

NM_020207.7(ERCC6L2):c.2041A>T (p.Ile681Phe)

Gene: ERCC6L2 (ERCC excision repair 6 like 2; plus strand). Cytogenetic location: 9q22.32.
Variant type: single nucleotide variant.
Coding change: c.2041A>T on transcript NM_020207.7 (MANE Select); coding-DNA position 2041, A replaced by T.
Protein change: p.Ile681Phe; replaces isoleucine 681 with phenylalanine.
Molecular consequence: missense variant. On other transcripts: non-coding transcript variant (1).
Genome position (GRCh38, 1-based): chr9:95,966,655, A>T. VCF-style: chr9-95966655-A-T. GRCh37 (hg19) VCF-style: chr9-98728937-A-T.
Other names: c.2041A>T, p.Ile681Phe (NM_001010895.4, NM_001375291.1, NM_001375292.1 and 2 more transcripts); short protein forms I681F.
Identifiers: ClinVar variation 4019414 (VCV004019414.2).

ClinVar aggregate classification (germline): Uncertain significance (1 of 4 stars; one submission).

Conditions:
Inborn genetic diseases. Identifiers: MedGen C0950123, MeSH D030342.

Submission:

Ambry Genetics
Classification: Uncertain significance for Inborn genetic diseases. Last evaluated: 2026-07-27. Review status: criteria provided, single submitter. Criteria: Ambry Variant Classification Scheme 2023. Collection method: clinical testing. Allele origin: germline.
Comment: The p.I681F variant (also known as c.2041A>T), located in coding exon 14 of the ERCC6L2 gene, results from an A to T substitution at nucleotide position 2041. The isoleucine at codon 681 is replaced by phenylalanine, an amino acid with highly similar properties. This amino acid position is conserved. In addition, this alteration is predicted to be tolerated by in silico analysis. Based on the available evidence, the clinical significance of this variant remains unclear.